The following is an entry in ClinVar:

ClinVar aggregate classification (germline): Uncertain significance. Review status: criteria provided, multiple submitters, no conflicts (2 of 4 stars). 2 submissions from 2 submitters: Uncertain significance (2). Last evaluated 2020-09-05.

Conditions:
Familial sleep-related hypermotor epilepsy. Also called: Autosomal Dominant Sleep-Related Hypermotor (Hyperkinetic) Epilepsy. Identifiers: Orphanet 98784, MedGen C3696898, MONDO:0000030.

Submissions (2):

Labcorp Genetics (formerly Invitae), Labcorp
Classification: Uncertain significance. Last evaluated: 2020-09-05. Review status: criteria provided, single submitter. Criteria: Invitae Variant Classification Sherloc (09022015). Collection method: clinical testing. Allele origin: germline.
Comment: This sequence change replaces isoleucine with leucine at codon 476 of the CHRNA2 protein (p.Ile476Leu). The isoleucine residue is highly conserved and there is a small physicochemical difference between isoleucine and leucine. This variant is not present in population databases (ExAC no frequency). This variant has not been reported in the literature in individuals with CHRNA2-related conditions. ClinVar contains an entry for this variant (Variation ID: 204974). Algorithms developed to predict the effect of missense changes on protein structure and function are either unavailable or do not agree on the potential impact of this missense change (SIFT: "Deleterious"; PolyPhen-2: "Probably Damaging"; Align-GVGD: "Class C0"). In summary, the available evidence is currently insufficient to determine the role of this variant in disease. Therefore, it has been classified as a Variant of Uncertain Significance.

GeneDx
Classification: Uncertain significance. Last evaluated: 2013-05-29. Review status: criteria provided, single submitter. Criteria: GeneDx Variant Classification (06012015). Collection method: clinical testing. Allele origin: germline. Affected: yes.
Comment: p.Ile476Leu (ATT>CTT): c.1426 A>C in exon 6 of the CHRNA2 gene (NM_000742.3). The Ile476Leu missense change has not been published as a mutation, nor has it been reported as a benign polymorphism to our knowledge. It was not observed in approximately 6,500 individuals of European and African American ancestry in the NHLBI Exome Sequencing Project, indicating it is not a common benign variant in these populations. The amino acid substitution is conservative, as Isoleucine and Leucine are both uncharged, non-polar amino acids. Ile476Leu alters a highly conserved position between the third and fourth transmembrane domains of the protein, and multiple in silico algorithms predict it may be damaging to the structure/function of the protein. However, missense mutations have not been reported in this region of the protein in association with epilepsy. Therefore, based on the currently available information, it is unclear whether Ile476Leu is a disease-causing mutation or a rare benign variant. The variant is found in EPILEPSY panel(s).

NM_000742.4(CHRNA2):c.1426A>C (p.Ile476Leu)

Gene: CHRNA2 (cholinergic receptor nicotinic alpha 2 subunit; minus strand). Cytogenetic location: 8p21.2.
Variant type: single nucleotide variant.
Coding change: c.1426A>C on transcript NM_000742.4 (MANE Select); coding-DNA position 1426, A replaced by C.
Protein change: p.Ile476Leu; replaces isoleucine 476 with leucine.
Molecular consequence: missense variant.
Genome position (GRCh38, 1-based): chr8:27,463,017, T>G on the plus strand (A>C on the coding strand, the complement: CHRNA2 is on the minus strand). VCF-style: chr8-27463017-T-G. GRCh37 (hg19) VCF-style: chr8-27320534-T-G.
Other names: p.I476L:ATT>CTT; c.1381A>C, p.Ile461Leu (NM_001282455.2); c.949A>C, p.Ile317Leu (NM_001347705.2, NM_001347706.2); c.832A>C, p.Ile278Leu (NM_001347707.2, NM_001347708.2); short protein forms I476L, I317L, I278L, I461L.
Identifiers: ClinVar variation 204974 (VCV000204974.7), dbSNP rs796052304, ClinGen allele CA313470.